The following is an entry in ClinVar:

ClinVar aggregate classification (germline): Likely benign. Review status: criteria provided, single submitter (1 of 4 stars). 2 submissions from 2 submitters: Likely benign (1). 1 of the submissions does not count toward it. Last evaluated 2022-12-01.

Conditions:
PCDHA9-related disorder. Also called: PCDHA9-related condition.

Allele frequency attached by ClinVar (database versions not stated): 1000 Genomes Project 30x 0.01015.
gnomAD v4.1: 6,374 of 1,580,604 alleles (0.4%); highest among the groups gnomAD compares: South Asian, 1.2%; 857 homozygotes.

Submissions (2):

CeGaT Center for Human Genetics Tuebingen
Classification: Likely benign. Last evaluated: 2022-12-01. Review status: criteria provided, single submitter. Criteria: CeGaT Center For Human Genetics Tuebingen Variant Classification Criteria Version 2. Collection method: clinical testing. Allele origin: germline. Affected: yes. Observed: 1 variant allele.
Comment: PCDHA1: BS2; PCDHA2: BS2; PCDHA3: BS2; PCDHA4: BS2; PCDHA5: BS2; PCDHA6: BS2; PCDHA7: BS2; PCDHA8: BS2; PCDHA9: BP4, BP7, BS2

PreventionGenetics, part of Exact Sciences
Classification: Likely benign for PCDHA9-related condition. Last evaluated: 2020-09-25. Review status: no assertion criteria provided. Collection method: clinical testing. Allele origin: germline. Not counted in ClinVar's aggregate classification.
Comment: This variant is classified as likely benign based on ACMG/AMP sequence variant interpretation guidelines (Richards et al. 2015 PMID: 25741868, with internal and published modifications).

NM_018900.4(PCDHA1):c.2394+59913C>G

Genes: PCDHA1 (protocadherin alpha 1; plus strand), PCDHA2 (protocadherin alpha 2; plus strand), PCDHA3 (protocadherin alpha 3; plus strand), PCDHA4 (protocadherin alpha 4; plus strand), PCDHA5 (protocadherin alpha 5; plus strand) and 5 more. Cytogenetic location: 5q31.3.
Variant type: single nucleotide variant.
Coding change: c.2394+59913C>G on transcript NM_018900.4 (MANE Select); 59913 bases into the intron after coding-DNA position 2394, C replaced by G.
Molecular consequence: intron variant. On other transcripts: synonymous variant (2).
Genome position (GRCh38, 1-based): chr5:140,848,597, C>G. VCF-style: chr5-140848597-C-G. GRCh37 (hg19) VCF-style: chr5-140228182-C-G.
Other names: c.102C>G, p.Ser34= (NM_014005.5, NM_031857.2); c.1602+60705C>G (NM_031411.3); c.2388+51245C>G (NM_018905.3); c.2394+45006C>G (NM_018906.3); c.2385+39025C>G (NM_018907.4); c.2352+24470C>G (NM_018908.3); c.2394+18112C>G (NM_018909.4); c.1602+18904C>G (NM_031849.3); and 2 more.
Identifiers: ClinVar variation 2655769 (VCV002655769.23), dbSNP rs151001396, ClinGen allele CA3450125.